The following is an entry in ClinVar:

NM_022051.3(EGLN1):c.437A>C (p.Lys146Thr)

Gene: EGLN1 (egl-9 family hypoxia inducible factor 1; minus strand). Cytogenetic location: 1q42.2.
Variant type: single nucleotide variant.
Coding change: c.437A>C on transcript NM_022051.3 (MANE Select); coding-DNA position 437, A replaced by C.
Protein change: p.Lys146Thr; replaces lysine 146 with threonine.
Molecular consequence: missense variant.
Genome position (GRCh38, 1-based): chr1:231,421,452, T>G on the plus strand (A>C on the coding strand, the complement: EGLN1 is on the minus strand). VCF-style: chr1-231421452-T-G. GRCh37 (hg19) VCF-style: chr1-231557198-T-G.
Other names: c.437A>C, p.Lys146Thr (NM_001377260.1, NM_001377261.1); short protein forms K146T.
Identifiers: ClinVar variation 3721207 (VCV003721207.2).

ClinVar aggregate classification (germline): Uncertain significance (1 of 4 stars; one submission).

Conditions:
Erythrocytosis, familial, 3 (ECYT3). Identifiers: Orphanet 247511, MedGen C1853286, MONDO:0012353, OMIM 609820.

gnomAD v4.1: 2 of 1,491,864 alleles (0.00013%); highest among the groups gnomAD compares: East Asian, 0.005%; no homozygotes.

Submission:

Labcorp Genetics (formerly Invitae), Labcorp
Classification: Uncertain significance for Erythrocytosis, familial, 3. Last evaluated: 2024-12-10. Review status: criteria provided, single submitter. Criteria: Invitae Variant Classification Sherloc (09022015). Collection method: clinical testing. Allele origin: germline.
Comment: This sequence change replaces lysine, which is basic and polar, with threonine, which is neutral and polar, at codon 146 of the EGLN1 protein (p.Lys146Thr). This variant is not present in population databases (gnomAD no frequency). This variant has not been reported in the literature in individuals affected with EGLN1-related conditions. An algorithm developed to predict the effect of missense changes on protein structure and function (PolyPhen-2) suggests that this variant is likely to be tolerated. In summary, the available evidence is currently insufficient to determine the role of this variant in disease. Therefore, it has been classified as a Variant of Uncertain Significance.